The following is an entry in ClinVar:

ClinVar aggregate classification (germline): Uncertain significance. Review status: criteria provided, multiple submitters, no conflicts (2 of 4 stars). 2 submissions from 2 submitters: Uncertain significance (2). Last evaluated 2024-03-27.

Submissions (2):

Women's Health and Genetics/Laboratory Corporation of America, LabCorp
Classification: Uncertain significance. Last evaluated: 2024-03-27. Review status: criteria provided, single submitter. Criteria: LabCorp Variant Classification Summary - May 2015. Collection method: clinical testing. Allele origin: germline.
Comment: Variant summary: ACADM c.938T>C (p.Leu313Pro) results in a non-conservative amino acid change located in the Acyl-CoA dehydrogenase/oxidase, C-terminal (IPR009075) of the encoded protein sequence. Five of five in-silico tools predict a damaging effect of the variant on protein function. The variant was absent in 249530 control chromosomes (gnomAD). The available data on variant occurrences in the general population are insufficient to allow any conclusion about variant significance. To our knowledge, no occurrence of c.938T>C in individuals affected with Medium Chain Acyl-CoA Dehydrogenase Deficiency and no experimental evidence demonstrating its impact on protein function have been reported. ClinVar contains an entry for this variant (Variation ID: 281047). Based on the evidence outlined above, the variant was classified as uncertain significance.

Eurofins Ntd Llc (ga)
Classification: Uncertain significance. Last evaluated: 2015-10-22. Review status: criteria provided, single submitter. Criteria: EGL Classification Definitions 2015. Collection method: clinical testing. Allele origin: germline. Observed: 1 variant allele, 1 heterozygote.

NM_000016.6(ACADM):c.938T>C (p.Leu313Pro)

Gene: ACADM (acyl-CoA dehydrogenase medium chain; plus strand). Cytogenetic location: 1p31.1.
Variant type: single nucleotide variant.
Coding change: c.938T>C on transcript NM_000016.6 (MANE Select); coding-DNA position 938, T replaced by C.
Protein change: p.Leu313Pro; replaces leucine 313 with proline.
Molecular consequence: missense variant.
Genome position (GRCh38, 1-based): chr1:75,750,539, T>C. VCF-style: chr1-75750539-T-C. GRCh37 (hg19) VCF-style: chr1-76216224-T-C.
Other names: c.950T>C, p.Leu317Pro (NM_001127328.3); c.830T>C, p.Leu277Pro (NM_001286042.2); c.1037T>C, p.Leu346Pro (NM_001286043.2); c.371T>C, p.Leu124Pro (NM_001286044.2); short protein forms L313P, L277P, L124P, L317P, L346P.
Identifiers: ClinVar variation 281047 (VCV000281047.7), dbSNP rs886042085, ClinGen allele CA10603792.
Genomic context (GRCh38, chr1:75,750,539, plus strand): 5'-AAAGAGCTTTGGATGAAGCTACCAAGTATGCCCTGGAAAGGAAAACTTTCGGAAAGCTAC[T>C]TGTAGAGGTAATTTTAATACTGCTTGCTTTGTTCAAATGTAAAGACACTCATTTTCATTT-3'
Protein context (NP_000007.1, residues 303-323): ALERKTFGKL[Leu313Pro]VEHQAISFML